The following is an entry in ClinVar:

NM_004525.3(LRP2):c.10844C>T (p.Thr3615Ile)

Gene: LRP2 (LDL receptor related protein 2; minus strand). Cytogenetic location: 2q31.1.
Variant type: single nucleotide variant.
Coding change: c.10844C>T on transcript NM_004525.3 (MANE Select); coding-DNA position 10844, C replaced by T.
Protein change: p.Thr3615Ile; replaces threonine 3615 with isoleucine.
Molecular consequence: missense variant.
Genome position (GRCh38, 1-based): chr2:169,174,089, G>A on the plus strand (C>T on the coding strand, the complement: LRP2 is on the minus strand). VCF-style: chr2-169174089-G-A. GRCh37 (hg19) VCF-style: chr2-170030599-G-A.
Other names: short protein forms T3615I.
Identifiers: ClinVar variation 1376141 (VCV001376141.3), dbSNP rs2105282084, ClinGen allele CA349145031.

ClinVar aggregate classification (germline): Uncertain significance (1 of 4 stars; one submission).

Allele frequency attached by ClinVar (database versions not stated): gnomAD exomes below 0.00001.
gnomAD v4.1: 1 of 1,614,208 alleles (0.000062%); highest among the groups gnomAD compares: Non-Finnish European, 0.000085%; no homozygotes.

Submission:

Labcorp Genetics (formerly Invitae), Labcorp
Classification: Uncertain significance. Last evaluated: 2021-09-09. Review status: criteria provided, single submitter. Criteria: Invitae Variant Classification Sherloc (09022015). Collection method: clinical testing. Allele origin: germline.
Comment: This sequence change replaces threonine with isoleucine at codon 3615 of the LRP2 protein (p.Thr3615Ile). The threonine residue is weakly conserved and there is a moderate physicochemical difference between threonine and isoleucine. This variant is not present in population databases (ExAC no frequency). This variant has not been reported in the literature in individuals affected with LRP2-related conditions. Advanced modeling of protein sequence and biophysical properties (such as structural, functional, and spatial information, amino acid conservation, physicochemical variation, residue mobility, and thermodynamic stability) performed at Invitae indicates that this missense variant is not expected to disrupt LRP2 protein function. In summary, the available evidence is currently insufficient to determine the role of this variant in disease. Therefore, it has been classified as a Variant of Uncertain Significance.